The following is an entry in ClinVar:

NM_005159.5(ACTC1):c.129+12_129+13delinsCT

Genes: ACTC1 (actin alpha cardiac muscle 1; minus strand), GJD2-DT (GJD2 divergent transcript; plus strand). Cytogenetic location: 15q14.
Variant type: Indel.
Coding change: c.129+12_129+13delinsCT on transcript NM_005159.5 (MANE Select); bases 12 to 13 of the intron after coding-DNA position 129, GC replaced by CT.
Molecular consequence: intron variant.
Genome position (GRCh38, 1-based): chr15:34,794,667-34,794,668, GC replaced by AG on the plus strand (GC replaced by CT on the coding strand, the reverse complement: ACTC1 is on the minus strand). VCF-style: chr15-34794667-GC-AG. GRCh37 (hg19) VCF-style: chr15-35086868-GC-AG.
Other names: c.129+12_129+13delGCinsCT (LRG_388t1).
Identifiers: ClinVar variation 510870 (VCV000510870.1), dbSNP rs1555418997, ClinGen allele CA658798295.

ClinVar aggregate classification (germline): Likely benign (1 of 4 stars; one submission).

Submission:

GeneDx
Classification: Likely benign. Last evaluated: 2017-07-17. Review status: criteria provided, single submitter. Criteria: GeneDx Variant Classification (06012015). Collection method: clinical testing. Allele origin: germline. Affected: yes.
Comment: This variant is considered likely benign or benign based on one or more of the following criteria: it is a conservative change, it occurs at a poorly conserved position in the protein, it is predicted to be benign by multiple in silico algorithms, and/or has population frequency not consistent with disease.